The following is an entry in ClinVar:

ClinVar aggregate classification (germline): Uncertain significance (1 of 4 stars; one submission).

Submission:

Labcorp Genetics (formerly Invitae), Labcorp
Classification: Uncertain significance. Last evaluated: 2026-01-12. Review status: criteria provided, single submitter. Criteria: Invitae Variant Classification Sherloc (09022015). Collection method: clinical testing. Allele origin: germline.
Comment: This sequence change replaces lysine, which is basic and polar, with glutamic acid, which is acidic and polar, at codon 1014 of the INPPL1 protein (p.Lys1014Glu). This variant is not present in population databases (gnomAD no frequency). This variant has not been reported in the literature in individuals affected with INPPL1-related conditions. ClinVar contains an entry for this variant (Variation ID: 3638451). An algorithm developed to predict the effect of missense changes on protein structure and function (PolyPhen-2) suggests that this variant is likely to be tolerated. In summary, the available evidence is currently insufficient to determine the role of this variant in disease. Therefore, it has been classified as a Variant of Uncertain Significance.

NM_001567.4(INPPL1):c.3040A>G (p.Lys1014Glu)

Gene: INPPL1 (inositol polyphosphate phosphatase like 1; plus strand). Cytogenetic location: 11q13.4.
Variant type: single nucleotide variant.
Coding change: c.3040A>G on transcript NM_001567.4 (MANE Select); coding-DNA position 3040, A replaced by G.
Protein change: p.Lys1014Glu; replaces lysine 1014 with glutamic acid.
Molecular consequence: missense variant.
Genome position (GRCh38, 1-based): chr11:72,237,284, A>G. VCF-style: chr11-72237284-A-G. GRCh37 (hg19) VCF-style: chr11-71948328-A-G.
Other names: short protein forms K1014E.
Identifiers: ClinVar variation 3638451 (VCV003638451.2).